The following is an entry in ClinVar:

ClinVar aggregate classification (germline): Uncertain significance (0 of 4 stars; one submission).

Submission:

Martin Pollak Laboratory,  Beth Israel Deaconess Medical Center
Classification: Uncertain significance. Review status: no assertion criteria provided. Collection method: not provided. Allele origin: unknown.
Comment: Higher UCa2+ group
ClinVar note: Converted during submission from unknown to Uncertain significance.

NM_000315.4(PTH):c.300G>T (p.Glu100Asp)

Gene: PTH (parathyroid hormone; minus strand). Cytogenetic location: 11p15.3.
Variant type: single nucleotide variant.
Coding change: c.300G>T on transcript NM_000315.4 (MANE Select); coding-DNA position 300, G replaced by T.
Protein change: p.Glu100Asp; replaces glutamic acid 100 with aspartic acid.
Molecular consequence: missense variant.
Genome position (GRCh38, 1-based): chr11:13,492,453, C>A on the plus strand (G>T on the coding strand, the complement: PTH is on the minus strand). VCF-style: chr11-13492453-C-A. GRCh37 (hg19) VCF-style: chr11-13514000-C-A.
Other names: c.396G>T, p.Glu132Asp (NM_001316352.2); short protein forms E100D, E132D.
Identifiers: ClinVar variation 64395 (VCV000064395.2), dbSNP rs387907455, ClinGen allele CA216052.